The following is an entry in ClinVar:

ClinVar aggregate classification (germline): Uncertain significance (1 of 4 stars; one submission).

Conditions:
Peroxisome biogenesis disorder. Identifiers: Orphanet 79189, MedGen C1832200, MONDO:0019234. Disease mechanism: loss of function.

Submission:

Labcorp Genetics (formerly Invitae), Labcorp
Classification: Uncertain significance for Peroxisome biogenesis disorder. Last evaluated: 2021-09-17. Review status: criteria provided, single submitter. Criteria: Invitae Variant Classification Sherloc (09022015). Collection method: clinical testing. Allele origin: germline.
Comment: This sequence change replaces glutamine with proline at codon 974 of the PEX6 protein (p.Gln974Pro). The glutamine residue is moderately conserved and there is a moderate physicochemical difference between glutamine and proline. This variant is not present in population databases (ExAC no frequency). This variant has not been reported in the literature in individuals with PEX6-related conditions. Algorithms developed to predict the effect of missense changes on protein structure and function are either unavailable or do not agree on the potential impact of this missense change (SIFT: "Deleterious"; PolyPhen-2: "Probably Damaging"; Align-GVGD: "Class C0"). In summary, the available evidence is currently insufficient to determine the role of this variant in disease. Therefore, it has been classified as a Variant of Uncertain Significance.

NM_000287.4(PEX6):c.2921A>C (p.Gln974Pro)

Gene: PEX6 (peroxisomal biogenesis factor 6; minus strand). Cytogenetic location: 6p21.1.
Variant type: single nucleotide variant.
Coding change: c.2921A>C on transcript NM_000287.4 (MANE Select); coding-DNA position 2921, A replaced by C.
Protein change: p.Gln974Pro; replaces glutamine 974 with proline.
Molecular consequence: missense variant. On other transcripts: non-coding transcript variant (1).
Genome position (GRCh38, 1-based): chr6:42,964,357, T>G on the plus strand (A>C on the coding strand, the complement: PEX6 is on the minus strand). VCF-style: chr6-42964357-T-G. GRCh37 (hg19) VCF-style: chr6-42932095-T-G.
Other names: c.2657A>C, p.Gln886Pro (NM_001316313.2); short protein forms Q886P, Q974P.
Identifiers: ClinVar variation 1476960 (VCV001476960.5), dbSNP rs1211978587, ClinGen allele CA364149060.